The following is an entry in ClinVar:

ClinVar aggregate classification (germline): Benign (1 of 4 stars; one submission).

Allele frequency attached by ClinVar (database versions not stated): TOPMed 0.00089; ESP Exome Variant Server 0.00108; gnomAD 0.00122; ExAC 0.00260; 1000 Genomes Project 0.00300.

Submission:

CeGaT Center for Human Genetics Tuebingen
Classification: Benign. Last evaluated: 2023-05-01. Review status: criteria provided, single submitter. Criteria: CeGaT Center For Human Genetics Tuebingen Variant Classification Criteria Version 2. Collection method: clinical testing. Allele origin: germline. Affected: yes. Observed: 1 variant allele.
Comment: PDHA2: BS1, BS2

NM_005390.5(PDHA2):c.62T>A (p.Val21Glu)

Gene: PDHA2 (pyruvate dehydrogenase E1 subunit alpha 2; plus strand). Cytogenetic location: 4q22.3.
Variant type: single nucleotide variant.
Coding change: c.62T>A on transcript NM_005390.5 (MANE Select); coding-DNA position 62, T replaced by A.
Protein change: p.Val21Glu; replaces valine 21 with glutamic acid.
Molecular consequence: missense variant.
Genome position (GRCh38, 1-based): chr4:95,840,212, T>A. VCF-style: chr4-95840212-T-A. GRCh37 (hg19) VCF-style: chr4-96761363-T-A.
Other names: short protein forms V21E.
Identifiers: ClinVar variation 2654959 (VCV002654959.24), dbSNP rs142094055, ClinGen allele CA3016168.